The following is an entry in ClinVar:

ClinVar aggregate classification (germline): Likely benign (1 of 4 stars; one submission).

Allele frequency attached by ClinVar (database versions not stated): gnomAD exomes 0.00002.
gnomAD v4.1: 1 of 1,037,846 alleles (0.000096%); highest among the groups gnomAD compares: Non-Finnish European, 0.00012%; no homozygotes.

Submission:

CeGaT Center for Human Genetics Tuebingen
Classification: Likely benign. Last evaluated: 2023-07-01. Review status: criteria provided, single submitter. Criteria: CeGaT Center For Human Genetics Tuebingen Variant Classification Criteria Version 2. Collection method: clinical testing. Allele origin: germline. Affected: yes. Observed: 1 variant allele.
Comment: IRX1: PM2:Supporting, BP4, BP7

NM_024337.4(IRX1):c.42C>G (p.Ala14=)

Gene: IRX1 (iroquois homeobox 1; plus strand). Cytogenetic location: 5p15.33.
Variant type: single nucleotide variant.
Coding change: c.42C>G on transcript NM_024337.4 (MANE Select); coding-DNA position 42, C replaced by G.
Protein change: p.Ala14=; no amino-acid change (alanine 14 retained).
Molecular consequence: synonymous variant.
Genome position (GRCh38, 1-based): chr5:3,596,147, C>G. VCF-style: chr5-3596147-C-G. GRCh37 (hg19) VCF-style: chr5-3596261-C-G.
Identifiers: ClinVar variation 2578972 (VCV002578972.25), dbSNP rs2111294441, ClinGen allele CA443072677.